The following is an entry in ClinVar:

ClinVar aggregate classification (germline): Benign/Likely benign. Review status: criteria provided, multiple submitters, no conflicts (2 of 4 stars). 6 submissions from 6 submitters: Benign (1); Likely benign (5). Last evaluated 2025-12-09.

Conditions:
Von Hippel-Lindau syndrome (VHLS). Also called: Von Hippel-Lindau; von Hippel–Lindau syndrome; VHL syndrome. Identifiers: Orphanet 892, MedGen C0019562, MONDO:0008667, OMIM 193300. Disease mechanism: loss of function.
Chuvash polycythemia. Also called: POLYCYTHEMIA, VHL-DEPENDENT. Identifiers: Orphanet 238557, MedGen C1837915, MONDO:0009892, OMIM 263400.
Hereditary cancer-predisposing syndrome. Also called: Hereditary Cancer Syndrome; Tumor predisposition; Hereditary neoplastic syndrome; Neoplastic Syndromes, Hereditary. Identifiers: Orphanet 140162, MedGen C0027672, MeSH D009386, MONDO:0015356.

Allele frequency attached by ClinVar (database versions not stated): gnomAD exomes below 0.00001.

Submissions (6):

Labcorp Genetics (formerly Invitae), Labcorp
Classification: Likely benign for Von Hippel-Lindau syndrome; Chuvash polycythemia. Last evaluated: 2025-12-09. Review status: criteria provided, single submitter. Criteria: Invitae Variant Classification Sherloc (09022015). Collection method: clinical testing. Allele origin: germline.

CeGaT Center for Human Genetics Tuebingen
Classification: Likely benign. Last evaluated: 2025-07-01. Review status: criteria provided, single submitter. Criteria: CeGaT Center For Human Genetics Tuebingen Variant Classification Criteria Version 2. Collection method: clinical testing. Allele origin: germline. Affected: yes. Observed: 1 variant allele.
Comment: VHL: BP4, BP7

Myriad Genetics, Inc.
Classification: Benign for Von Hippel-Lindau syndrome. Last evaluated: 2025-06-13. Review status: criteria provided, single submitter. Criteria: Myriad Autosomal Dominant, Autosomal Recessive and X-Linked Classification Criteria (2023). Collection method: clinical testing. Allele origin: unknown.
Comment: This variant is considered benign. This variant is a silent/synonymous amino acid change and it is not expected to impact splicing.

All of Us Research Program, National Institutes of Health
Classification: Likely benign for Von Hippel-Lindau syndrome. Last evaluated: 2023-05-16. Review status: criteria provided, single submitter. Criteria: ACMG Guidelines, 2015. Collection method: clinical testing. Allele origin: germline. Inheritance: Autosomal dominant inheritance. Observed: 1 variant allele, 1 heterozygote.
Comment: This study involves interpretation of variants in research participants for the purpose of population health screening. Participant phenotype was not available at the time of variant classification. Additional details can be found in publication PMID: 35346344, PMCID: PMC8962531

Color Diagnostics, LLC DBA Color Health
Classification: Likely benign for Von Hippel-Lindau syndrome. Last evaluated: 2023-05-03. Review status: criteria provided, single submitter. Criteria: ACMG Guidelines, 2015. Collection method: clinical testing. Allele origin: germline.

Ambry Genetics
Classification: Likely benign for Hereditary cancer-predisposing syndrome. Last evaluated: 2019-04-18. Review status: criteria provided, single submitter. Criteria: Ambry Variant Classification Scheme 2023. Collection method: clinical testing. Allele origin: germline.

NM_000551.4(VHL):c.525C>T (p.Tyr175=)

Genes: VHL (von Hippel-Lindau tumor suppressor; plus strand), LOC107303340 (3p25 von Hippel-Lindau tumor suppressor, E3 ubiquitin protein ligase Alu-mediated recombination region; plus strand). Cytogenetic location: 3p25.3.
Variant type: single nucleotide variant.
Coding change: c.525C>T on transcript NM_000551.4 (MANE Select); coding-DNA position 525, C replaced by T.
Protein change: p.Tyr175=; no amino-acid change (tyrosine 175 retained).
Molecular consequence: synonymous variant. On other transcripts: 3 prime UTR variant (1).
Genome position (GRCh38, 1-based): chr3:10,149,848, C>T. VCF-style: chr3-10149848-C-T. GRCh37 (hg19) VCF-style: chr3-10191532-C-T.
Other names: c.*79C>T (NM_001354723.2); c.402C>T, p.Tyr134= (NM_198156.3).
Identifiers: ClinVar variation 761377 (VCV000761377.26), dbSNP rs5030835, ClinGen allele CA432423437.